The following is an entry in ClinVar:

ClinVar aggregate classification (germline): Pathogenic (1 of 4 stars; one submission).

gnomAD v4.1: 1 of 1,468,552 alleles (0.000068%); highest among the groups gnomAD compares: Non-Finnish European, 0.000095%; no homozygotes.

Submission:

CeGaT Center for Human Genetics Tuebingen
Classification: Pathogenic. Last evaluated: 2026-09-01. Review status: criteria provided, single submitter. Criteria: CeGaT Center For Human Genetics Tuebingen Variant Classification Criteria Version 2. Collection method: clinical testing. Allele origin: germline. Affected: yes. Observed: 1 variant allele.
Comment: MME: PVS1, PM2

NM_007289.4(MME):c.654+2T>A

Gene: MME (membrane metalloendopeptidase; plus strand). Cytogenetic location: 3q25.2.
Variant type: single nucleotide variant.
Coding change: c.654+2T>A on transcript NM_007289.4 (MANE Select); the canonical splice donor site of the intron after coding-DNA position 654, T replaced by A.
Molecular consequence: splice donor variant.
Genome position (GRCh38, 1-based): chr3:155,116,988, T>A. VCF-style: chr3-155116988-T-A. GRCh37 (hg19) VCF-style: chr3-154834777-T-A.
Other names: c.654+2T>A (NM_001354642.2, NM_000902.5, NM_007287.4 and 2 more transcripts).
Identifiers: ClinVar variation 5041812 (VCV005041812.1).